The following is an entry in ClinVar:

ClinVar aggregate classification (germline): Uncertain significance. Review status: criteria provided, multiple submitters, no conflicts (2 of 4 stars). 2 submissions from 2 submitters: Uncertain significance (2). Last evaluated 2024-01-08.

Conditions:
Bartter disease type 3. Also called: Bartter syndrome type 3. Identifiers: Orphanet 112, Orphanet 93605, MedGen C1846343, MONDO:0011822, OMIM 607364.
Bartter disease type 4B. Also called: BARTTER SYNDROME, TYPE 4B, NEONATAL, WITH SENSORINEURAL DEAFNESS; Bartter syndrome, type 4b, digenic; BARTTER SYNDROME, TYPE 4B. Identifiers: Orphanet 112, MedGen C4310805, MONDO:0000909, OMIM 613090.

Allele frequency attached by ClinVar (database versions not stated): gnomAD exomes 0.00002; ExAC 0.00006; gnomAD 0.00013; TOPMed 0.00017; ESP Exome Variant Server 0.00031; 1000 Genomes Project 30x 0.00125; 1000 Genomes Project 0.00160.
gnomAD v4.1: 50 of 1,614,080 alleles (0.0031%); highest among the groups gnomAD compares: African/African-American, 0.052%; no homozygotes.

Submissions (2):

Fulgent Genetics
Classification: Uncertain significance for Bartter disease type 3; Bartter disease type 4B. Last evaluated: 2024-01-08. Review status: criteria provided, single submitter. Criteria: ACMG Guidelines, 2015. Collection method: clinical testing. Allele origin: germline.

Labcorp Genetics (formerly Invitae), Labcorp
Classification: Uncertain significance. Last evaluated: 2022-07-11. Review status: criteria provided, single submitter. Criteria: Invitae Variant Classification Sherloc (09022015). Collection method: clinical testing. Allele origin: germline.
Comment: This sequence change replaces serine, which is neutral and polar, with phenylalanine, which is neutral and non-polar, at codon 655 of the CLCNKB protein (p.Ser655Phe). This variant is present in population databases (rs144513133, gnomAD 0.04%). This variant has not been reported in the literature in individuals affected with CLCNKB-related conditions. Advanced modeling of protein sequence and biophysical properties (such as structural, functional, and spatial information, amino acid conservation, physicochemical variation, residue mobility, and thermodynamic stability) performed at Invitae indicates that this missense variant is not expected to disrupt CLCNKB protein function. In summary, the available evidence is currently insufficient to determine the role of this variant in disease. Therefore, it has been classified as a Variant of Uncertain Significance.

NM_000085.5(CLCNKB):c.1964C>T (p.Ser655Phe)

Genes: CLCNKB (chloride voltage-gated channel Kb; plus strand), LOC106501713 (CLCNKB recombination region; plus strand). Cytogenetic location: 1p36.13.
Variant type: single nucleotide variant.
Coding change: c.1964C>T on transcript NM_000085.5 (MANE Select); coding-DNA position 1964, C replaced by T.
Protein change: p.Ser655Phe; replaces serine 655 with phenylalanine.
Molecular consequence: missense variant.
Genome position (GRCh38, 1-based): chr1:16,056,456, C>T. VCF-style: chr1-16056456-C-T. GRCh37 (hg19) VCF-style: chr1-16382951-C-T.
Other names: c.1454C>T, p.Ser485Phe (NM_001165945.2); short protein forms S485F, S655F.
Identifiers: ClinVar variation 2164072 (VCV002164072.2), dbSNP rs144513133, ClinGen allele CA624113.
Genomic context (GRCh38, chr1:16,056,456, plus strand): 5'-AGTGTTTCCTAACATCCCCCATCCAGGCACACAACCTCTTTGAGCTGTTGAACCTTCATT[C>T]CCTCTTTGTGACGTCGCGGGGCAGAGCTGTGGGCTGCGTGTCCTGGGTGGAGGTACCAGG-3'
Protein context (NP_000076.2, residues 645-665): HNLFELLNLH[Ser655Phe]LFVTSRGRAV